The following is an entry in ClinVar:

ClinVar aggregate classification (germline): Uncertain significance. Review status: criteria provided, single submitter (1 of 4 stars). 2 submissions from 2 submitters: Uncertain significance (1). 1 of the submissions does not count toward it. Last evaluated 2026-06-15.

Conditions:
Intellectual disability-microcephaly-strabismus-behavioral abnormalities syndrome. Also called: White-Sutton Syndrome. Identifiers: Orphanet 468678, MedGen C4225351, MONDO:0014606, OMIM 616364.

Allele frequency attached by ClinVar (database versions not stated): gnomAD exomes below 0.00001.

Submissions (2):

GeneDx
Classification: Uncertain significance. Last evaluated: 2026-06-15. Review status: criteria provided, single submitter. Criteria: GeneDx Variant Classification Process June 2021. Collection method: clinical testing. Allele origin: germline.
Comment: Initiation codon variant predicted to alter the protein; however, a downstream in-frame Methionine residue could serve as an alternate initiator codon; Not observed at significant frequency in large population cohorts (gnomAD); Has not been previously published as pathogenic or benign to our knowledge

Institute of Human Genetics, Cologne University
Classification: Likely pathogenic for Intellectual disability-microcephaly-strabismus-behavioral abnormalities syndrome. Review status: no assertion criteria provided. Collection method: clinical testing. Allele origin: de novo. Inheritance: Autosomal dominant inheritance. Affected: yes. Observed: 1 heterozygote. Not counted in ClinVar's aggregate classification.

NM_015100.4(POGZ):c.1A>G (p.Met1Val)

Gene: POGZ (pogo transposable element derived with ZNF domain; minus strand). Cytogenetic location: 1q21.3.
Variant type: single nucleotide variant.
Coding change: c.1A>G on transcript NM_015100.4 (MANE Select); coding-DNA position 1, A replaced by G.
Protein change: p.Met1Val; changes the start codon (methionine 1).
Molecular consequence: missense variant, initiator codon variant.
Genome position (GRCh38, 1-based): chr1:151,442,204, T>C on the plus strand (A>G on the coding strand, the complement: POGZ is on the minus strand). VCF-style: chr1-151442204-T-C. GRCh37 (hg19) VCF-style: chr1-151414680-T-C.
Other names: c.1A>G, p.Met1Val (NM_145796.4, NM_207171.2, NM_001194937.2 and 1 more transcripts); c.1A>G (NM_015100.3); short protein forms M1V.
Identifiers: ClinVar variation 1328433 (VCV001328433.4), dbSNP rs2102371063, ClinGen allele CA341986232.
Genomic context (GRCh38, chr1:151,442,204, plus strand): 5'-TTTTCTGCCATGGCTCCAACTCCTCCTCCTCACATTCCATGAACAGGTCGGTGTCCGCCA[T>C]GCTATAAGAAAAACATTCAAATAAGATATGGGCCTAAGAATAGGAGATATTGCTTTATAC-3'
Protein context (NP_055915.2, residues 1-11): [Met1Val]ADTDLFMECE